The following is an entry in ClinVar:

ClinVar aggregate classification (germline): Uncertain significance (1 of 4 stars; one submission).

Conditions:
Inborn genetic diseases. Identifiers: MedGen C0950123, MeSH D030342.

gnomAD v4.1: 3 of 1,613,094 alleles (0.00019%); highest among the groups gnomAD compares: Non-Finnish European, 0.00025%; no homozygotes.

Submission:

Ambry Genetics
Classification: Uncertain significance for Inborn genetic diseases. Last evaluated: 2025-05-19. Review status: criteria provided, single submitter. Criteria: Ambry Variant Classification Scheme 2023. Collection method: clinical testing. Allele origin: germline.
Comment: The p.H585Y variant (also known as c.1753C>T), located in coding exon 1 of the SAMD9L gene, results from a C to T substitution at nucleotide position 1753. The histidine at codon 585 is replaced by tyrosine, an amino acid with similar properties. This amino acid position is conserved. In addition, this alteration is predicted to be tolerated by in silico analysis. Based on the available evidence, the clinical significance of this variant remains unclear.

NM_152703.5(SAMD9L):c.1753C>T (p.His585Tyr)

Gene: SAMD9L (sterile alpha motif domain containing 9 like; minus strand). Cytogenetic location: 7q21.2.
Variant type: single nucleotide variant.
Coding change: c.1753C>T on transcript NM_152703.5 (MANE Select); coding-DNA position 1753, C replaced by T.
Protein change: p.His585Tyr; replaces histidine 585 with tyrosine.
Molecular consequence: missense variant.
Genome position (GRCh38, 1-based): chr7:93,134,219, G>A on the plus strand (C>T on the coding strand, the complement: SAMD9L is on the minus strand). VCF-style: chr7-93134219-G-A. GRCh37 (hg19) VCF-style: chr7-92763532-G-A.
Other names: c.1753C>T, p.His585Tyr (NM_001303496.3, NM_001303497.3, NM_001303498.3 and 5 more transcripts); short protein forms H585Y.
Identifiers: ClinVar variation 3949943 (VCV003949943.1).
Genomic context (GRCh38, chr7:93,134,219, plus strand): 5'-TTAGTTCATCTTCCATCTTCATTCTTGTTTGTAGTAGATCTTTCCATCGTTGATAAATAT[G>A]TGAGTTTACAGAGATACACAACATATTTTCCATTCCTTTGAGAGCTTGATAGAAAGCCCA-3'
Protein context (NP_689916.2, residues 575-595): ENMLCISVNS[His585Tyr]IYQRWKDLLQ